The following is an entry in ClinVar:

ClinVar aggregate classification (germline): Uncertain significance (1 of 4 stars; one submission).

gnomAD v4.1: 5 of 1,603,112 alleles (0.00031%); highest among the groups gnomAD compares: Non-Finnish European, 0.00043%; no homozygotes.

Submission:

Mayo Clinic Laboratories, Mayo Clinic
Classification: Uncertain significance. Last evaluated: 2025-08-08. Review status: criteria provided, single submitter. Criteria: ACMG Guidelines, 2015. Collection method: clinical testing. Allele origin: germline. Observed: 1 variant allele.
Comment: PM2_supporting

NM_002775.5(HTRA1):c.1005+5G>A

Gene: HTRA1 (HtrA serine peptidase 1; plus strand). Cytogenetic location: 10q26.13.
Variant type: single nucleotide variant.
Coding change: c.1005+5G>A on transcript NM_002775.5 (MANE Select); 5 bases into the intron after coding-DNA position 1005, G replaced by A.
Molecular consequence: intron variant.
Genome position (GRCh38, 1-based): chr10:122,507,407, G>A. VCF-style: chr10-122507407-G-A. GRCh37 (hg19) VCF-style: chr10-124266923-G-A.
Identifiers: ClinVar variation 4541592 (VCV004541592.1).
Genomic context (GRCh38, chr10:122,507,407, plus strand): 5'-TTTTCATTTCTGTTTAATTGCAGTATGGAAACTCGGGAGGCCCGTTAGTAAACCTGGTAA[G>A]GTCTTTTAAACCTATGTTAGGTCATTTGTTTTTATCTATGTATACGCTGTTTTTTGTTTG-3'